The following is an entry in ClinVar:

NM_014423.4(AFF4):c.3423G>A (p.Met1141Ile)

Gene: AFF4 (ALF transcription elongation factor 4; minus strand). Cytogenetic location: 5q31.1.
Variant type: single nucleotide variant.
Coding change: c.3423G>A on transcript NM_014423.4 (MANE Select); coding-DNA position 3423, G replaced by A.
Protein change: p.Met1141Ile; replaces methionine 1141 with isoleucine.
Molecular consequence: missense variant.
Genome position (GRCh38, 1-based): chr5:132,881,128, C>T on the plus strand (G>A on the coding strand, the complement: AFF4 is on the minus strand). VCF-style: chr5-132881128-C-T. GRCh37 (hg19) VCF-style: chr5-132216820-C-T.
Other names: short protein forms M1141I.
Identifiers: ClinVar variation 4993677 (VCV004993677.1).
Genomic context (GRCh38, chr5:132,881,128, plus strand): 5'-CAACTTGGCATCCTGGCGAAGCCAGTGCAGTCCCTGCCGGGTATAACGAACTAGATCTGT[C>T]ATGATGCTTGCATTAAAGATGAGAGGGCCCATTACTTTATCCAGTTCAGCAAAGAATTCT-3'
Protein context (NP_055238.1, residues 1131-1151): MGPLIFNASI[Met1141Ile]TDLVRYTRQG

ClinVar aggregate classification (germline): Uncertain significance (1 of 4 stars; one submission).

Conditions:
AFF4-related disorder. Also called: AFF4-related condition.

Submission:

PreventionGenetics, part of Exact Sciences
Classification: Uncertain significance for AFF4-related condition. Last evaluated: 2025-08-12. Review status: criteria provided, single submitter. Criteria: ACMG Guidelines, 2015. Collection method: clinical testing. Allele origin: germline.
Comment: The AFF4 c.3423G>A variant is predicted to result in the amino acid substitution p.Met1141Ile. To our knowledge, this variant has not been reported in the literature or in a large population database (gnomAD), indicating this variant is rare. At this time, the clinical significance of this variant is uncertain due to the absence of conclusive functional and genetic evidence.